The following is an entry in ClinVar:

NM_020988.3(GNAO1):c.151A>G (p.Lys51Glu)

Gene: GNAO1 (G protein subunit alpha o1; plus strand). Cytogenetic location: 16q13.
Variant type: single nucleotide variant.
Coding change: c.151A>G on transcript NM_020988.3 (MANE Select); coding-DNA position 151, A replaced by G.
Protein change: p.Lys51Glu; replaces lysine 51 with glutamic acid.
Molecular consequence: missense variant.
Genome position (GRCh38, 1-based): chr16:56,192,606, A>G. VCF-style: chr16-56192606-A-G. GRCh37 (hg19) VCF-style: chr16-56226518-A-G.
Other names: c.151A>G, p.Lys51Glu (NM_138736.3); short protein forms K51E.
Identifiers: ClinVar variation 1325832 (VCV001325832.1), dbSNP rs2143272241, ClinGen allele CA396128635.

ClinVar aggregate classification (germline): Uncertain significance (1 of 4 stars; one submission).

Conditions:
Developmental and epileptic encephalopathy, 17 (DEE17). Also called: Early infantile epileptic encephalopathy 17. Identifiers: Orphanet 1934, MedGen C3809606, MONDO:0014199, OMIM 615473.

Submission:

Institute of Human Genetics, University of Leipzig Medical Center
Classification: Uncertain significance for Developmental and epileptic encephalopathy, 17. Last evaluated: 2021-11-15. Review status: criteria provided, single submitter. Criteria: ACMG Guidelines, 2015. Collection method: clinical testing. Allele origin: unknown. Affected: yes.
Comment: _x000D_ Criteria applied: PM2_SUP, PP2, PP3